The following is an entry in ClinVar:

NM_006859.4(LIAS):c.807G>A (p.Gln269=)

Gene: LIAS (lipoic acid synthetase; plus strand). Cytogenetic location: 4p14.
Variant type: single nucleotide variant.
Coding change: c.807G>A on transcript NM_006859.4 (MANE Select); coding-DNA position 807, G replaced by A.
Protein change: p.Gln269=; no amino-acid change (glutamine 269 retained).
Molecular consequence: synonymous variant.
Genome position (GRCh38, 1-based): chr4:39,470,088, G>A. VCF-style: chr4-39470088-G-A. GRCh37 (hg19) VCF-style: chr4-39471708-G-A.
Other names: c.678G>A, p.Gln226= (NM_001278590.2); c.498G>A, p.Gln166= (NM_001363700.2); c.807G>A, p.Gln269= (NM_194451.3).
Identifiers: ClinVar variation 378085 (VCV000378085.14), dbSNP rs140846573, ClinGen allele CA2894776.
Genomic context (GRCh38, chr4:39,470,088, plus strand): 5'-TGATCCTCGGGCCAATTTTGATCAGTCCCTACGTGTACTGAAACATGCCAAGAAGGTTCA[G>A]CCTGATGTTATTTCTAAAACATCTATAATGTTGGGTTTAGGCGAGAATGATGAGCAAGTA-3'
Protein context (NP_006850.2, residues 259-279): LRVLKHAKKV[Gln269=]PDVISKTSIM

ClinVar aggregate classification (germline): Likely benign. Review status: criteria provided, multiple submitters, no conflicts (2 of 4 stars). 4 submissions from 4 submitters: Likely benign (3). 1 of the submissions does not count toward it. Last evaluated 2026-01-18.

Conditions:
Lipoic acid synthetase deficiency. Also called: HYPERGLYCINEMIA, LACTIC ACIDOSIS, AND SEIZURES. Identifiers: Orphanet 401859, MedGen C3280887, MONDO:0013762, OMIM 614462.
LIAS-related disorder. Also called: LIAS-related condition.

Allele frequency attached by ClinVar (database versions not stated): TOPMed 0.00026; ESP Exome Variant Server 0.00038; gnomAD 0.00048.
gnomAD v4.1: 102 of 1,613,988 alleles (0.0063%); highest among the groups gnomAD compares: African/African-American, 0.1%; no homozygotes.

Submissions (4):

Labcorp Genetics (formerly Invitae), Labcorp
Classification: Likely benign for Lipoic acid synthetase deficiency. Last evaluated: 2026-01-18. Review status: criteria provided, single submitter. Criteria: Invitae Variant Classification Sherloc (09022015). Collection method: clinical testing. Allele origin: germline.

Blueprint Genetics
Classification: Likely benign. Last evaluated: 2024-09-09. Review status: criteria provided, single submitter. Criteria: ACMG Guidelines, 2015. Collection method: clinical testing. Allele origin: germline.

GeneDx
Classification: Likely benign. Last evaluated: 2019-08-05. Review status: criteria provided, single submitter. Criteria: GeneDx Variant Classification Process June 2021. Collection method: clinical testing. Allele origin: germline. Affected: yes.

PreventionGenetics, part of Exact Sciences
Classification: Likely benign for LIAS-related condition. Last evaluated: 2024-05-18. Review status: no assertion criteria provided. Collection method: clinical testing. Allele origin: germline. Not counted in ClinVar's aggregate classification.
Comment: This variant is classified as likely benign based on ACMG/AMP sequence variant interpretation guidelines (Richards et al. 2015 PMID: 25741868, with internal and published modifications).